The following is an entry in ClinVar:

NM_000660.7(TGFB1):c.74G>A (p.Arg25Gln)

Gene: TGFB1 (transforming growth factor beta 1; minus strand). Cytogenetic location: 19q13.2.
Variant type: single nucleotide variant.
Coding change: c.74G>A on transcript NM_000660.7 (MANE Select); coding-DNA position 74, G replaced by A.
Protein change: p.Arg25Gln; replaces arginine 25 with glutamine.
Molecular consequence: missense variant.
Genome position (GRCh38, 1-based): chr19:41,352,971, C>T on the plus strand (G>A on the coding strand, the complement: TGFB1 is on the minus strand). VCF-style: chr19-41352971-C-T. GRCh37 (hg19) VCF-style: chr19-41858876-C-T.
Other names: short protein forms R25Q.
Identifiers: ClinVar variation 2800888 (VCV002800888.3), dbSNP rs1800471, ClinGen allele CA406006321.

ClinVar aggregate classification (germline): Uncertain significance (1 of 4 stars; one submission).

gnomAD v4.1: 7 of 1,543,796 alleles (0.00045%); highest among the groups gnomAD compares: African/African-American, 0.0027%; no homozygotes.

Submission:

Labcorp Genetics (formerly Invitae), Labcorp
Classification: Uncertain significance. Last evaluated: 2024-01-20. Review status: criteria provided, single submitter. Criteria: Invitae Variant Classification Sherloc (09022015). Collection method: clinical testing. Allele origin: germline.
Comment: This sequence change replaces arginine, which is basic and polar, with glutamine, which is neutral and polar, at codon 25 of the TGFB1 protein (p.Arg25Gln). This variant is present in population databases (no rsID available, gnomAD 0.01%). This variant has not been reported in the literature in individuals affected with TGFB1-related conditions. An algorithm developed to predict the effect of missense changes on protein structure and function (PolyPhen-2) suggests that this variant is likely to be disruptive. In summary, the available evidence is currently insufficient to determine the role of this variant in disease. Therefore, it has been classified as a Variant of Uncertain Significance.